The following is an entry in ClinVar:

ClinVar aggregate classification (germline): Uncertain significance (1 of 4 stars; one submission).

Conditions:
Familial thoracic aortic aneurysm and aortic dissection (TAAD). Also called: Thoracic aortic aneurysms and dissections. Identifiers: Orphanet 91387, MedGen C4707243, MONDO:0019625.

Allele frequency attached by ClinVar (database versions not stated): gnomAD exomes 0.00001.
gnomAD v4.1: 12 of 1,613,710 alleles (0.00074%); highest among the groups gnomAD compares: South Asian, 0.0011%; no homozygotes.

Submission:

Ambry Genetics
Classification: Uncertain significance for Familial thoracic aortic aneurysm and aortic dissection. Last evaluated: 2022-06-06. Review status: criteria provided, single submitter. Criteria: Ambry Variant Classification Scheme 2023. Collection method: clinical testing. Allele origin: germline.
Comment: The p.V1655I variant (also known as c.4963G>A), located in coding exon 27 of the MYLK gene, results from a G to A substitution at nucleotide position 4963. The valine at codon 1655 is replaced by isoleucine, an amino acid with highly similar properties. This amino acid position is conserved. In addition, this alteration is predicted to be tolerated by in silico analysis. Since supporting evidence is limited at this time, the clinical significance of this alteration remains unclear.

NM_053025.4(MYLK):c.4963G>A (p.Val1655Ile)

Genes: MYLK (myosin light chain kinase; minus strand), MYLK-AS1 (MYLK antisense RNA 1; plus strand), LOC126806791 (MED14-independent group 3 enhancer GRCh37_chr3:123347871-123349070; plus strand). Cytogenetic location: 3q21.1.
Variant type: single nucleotide variant.
Coding change: c.4963G>A on transcript NM_053025.4 (MANE Select); coding-DNA position 4963, G replaced by A.
Protein change: p.Val1655Ile; replaces valine 1655 with isoleucine.
Molecular consequence: missense variant. On other transcripts: non-coding transcript variant (2), intron variant (2).
Genome position (GRCh38, 1-based): chr3:123,629,625, C>T on the plus strand (G>A on the coding strand, the complement: MYLK is on the minus strand). VCF-style: chr3-123629625-C-T. GRCh37 (hg19) VCF-style: chr3-123348472-C-T.
Other names: c.4435G>A, p.Val1479Ile (NM_001321309.2); c.4756G>A, p.Val1586Ile (NM_053026.4); c.4755-2684G>A (NM_053028.4); c.4962-2684G>A (NM_053027.4); short protein forms V1586I, V1479I, V1655I.
Identifiers: ClinVar variation 1744427 (VCV001744427.2), dbSNP rs2473060281, ClinGen allele CA354233439.